The following is an entry in ClinVar:

ClinVar aggregate classification (germline): Uncertain significance (1 of 4 stars; one submission).

Allele frequency attached by ClinVar (database versions not stated): gnomAD exomes 0.00002.
gnomAD v4.1: 32 of 1,613,972 alleles (0.002%); highest among the groups gnomAD compares: Non-Finnish European, 0.0027%; no homozygotes.

Submission:

Labcorp Genetics (formerly Invitae), Labcorp
Classification: Uncertain significance. Last evaluated: 2023-12-23. Review status: criteria provided, single submitter. Criteria: Invitae Variant Classification Sherloc (09022015). Collection method: clinical testing. Allele origin: germline.
Comment: This sequence change replaces valine, which is neutral and non-polar, with glycine, which is neutral and non-polar, at codon 531 of the COL7A1 protein (p.Val531Gly). This variant is present in population databases (rs776158209, gnomAD 0.0009%). This variant has not been reported in the literature in individuals affected with COL7A1-related conditions. Advanced modeling of protein sequence and biophysical properties (such as structural, functional, and spatial information, amino acid conservation, physicochemical variation, residue mobility, and thermodynamic stability) performed at Invitae indicates that this missense variant is not expected to disrupt COL7A1 protein function with a negative predictive value of 95%. In summary, the available evidence is currently insufficient to determine the role of this variant in disease. Therefore, it has been classified as a Variant of Uncertain Significance.

NM_000094.4(COL7A1):c.1592T>G (p.Val531Gly)

Gene: COL7A1 (collagen type VII alpha 1 chain; minus strand). Cytogenetic location: 3p21.31.
Variant type: single nucleotide variant.
Coding change: c.1592T>G on transcript NM_000094.4 (MANE Select); coding-DNA position 1592, T replaced by G.
Protein change: p.Val531Gly; replaces valine 531 with glycine.
Molecular consequence: missense variant.
Genome position (GRCh38, 1-based): chr3:48,591,508, A>C on the plus strand (T>G on the coding strand, the complement: COL7A1 is on the minus strand). VCF-style: chr3-48591508-A-C. GRCh37 (hg19) VCF-style: chr3-48628941-A-C.
Other names: short protein forms V531G.
Identifiers: ClinVar variation 2896831 (VCV002896831.1), dbSNP rs776158209, ClinGen allele CA73991442.
Genomic context (GRCh38, chr3:48,591,508, plus strand): 5'-GCTGCGTCCACCTCACCCTGGGTGCTGCGCACAATGATGCGGTACTGGGTGGCACCAGGG[A>C]CTGGGCTCCAGGACACTCGCACCCGCTGCCCGGGCAGCTCGGTGGCTTGCAGGTCTGTTA-3'
Protein context (NP_000085.1, residues 521-541): GQRVRVSWSP[Val531Gly]PGATQYRIIV